The following is an entry in ClinVar:

ClinVar aggregate classification (germline): Uncertain significance. Review status: criteria provided, single submitter (1 of 4 stars). 3 submissions from 3 submitters: Uncertain significance (1). 2 of the submissions do not count toward it. Last evaluated 2018-01-13.

Conditions:
BBS1-related disorder. Also called: BBS1-related condition.
Bardet-Biedl syndrome 1 (BBS1). Identifiers: MedGen C2936862, MONDO:0008854, OMIM 209900. Disease mechanism: loss of function.

Allele frequency attached by ClinVar (database versions not stated): TOPMed 0.00001; gnomAD 0.00001; gnomAD exomes 0.00001; ExAC 0.00002.
gnomAD v4.1: 6 of 1,593,922 alleles (0.00038%); highest among the groups gnomAD compares: Non-Finnish European, 0.00051%; no homozygotes.

Submissions (3):

Illumina Laboratory Services, Illumina
Classification: Uncertain significance for Bardet-Biedl syndrome 1. Last evaluated: 2018-01-13. Review status: criteria provided, single submitter. Criteria: ICSL Variant Classification Criteria 13 December 2019. Collection method: clinical testing. Allele origin: germline.

PreventionGenetics, part of Exact Sciences
Classification: Likely benign for BBS1-related condition. Last evaluated: 2021-06-29. Review status: no assertion criteria provided. Collection method: clinical testing. Allele origin: germline. Not counted in ClinVar's aggregate classification.
Comment: This variant is classified as likely benign based on ACMG/AMP sequence variant interpretation guidelines (Richards et al. 2015 PMID: 25741868, with internal and published modifications).

Counsyl
Classification: Uncertain significance for Bardet-Biedl syndrome 1. Last evaluated: 2017-10-06. Review status: no assertion criteria provided. Collection method: clinical testing. Allele origin: unknown. Not counted in ClinVar's aggregate classification.

NM_024649.5(BBS1):c.*10T>A

Genes: BBS1 (Bardet-Biedl syndrome 1; plus strand), ZDHHC24 (zDHHC palmitoyltransferase 24; minus strand). Cytogenetic location: 11q13.2.
Variant type: single nucleotide variant.
Coding change: c.*10T>A on transcript NM_024649.5 (MANE Select); 10 bases downstream of the stop codon, T replaced by A.
Molecular consequence: 3 prime UTR variant. On other transcripts: intron variant (1).
Genome position (GRCh38, 1-based): chr11:66,532,047, T>A. VCF-style: chr11-66532047-T-A. GRCh37 (hg19) VCF-style: chr11-66299518-T-A.
Other names: c.560-2559A>T (NM_001348571.2).
Identifiers: ClinVar variation 305474 (VCV000305474.10), dbSNP rs765633556, ClinGen allele CA6123897.